The following is an entry in ClinVar:

ClinVar aggregate classification (germline): Uncertain significance (1 of 4 stars; one submission).

Conditions:
Microcephaly, normal intelligence and immunodeficiency (NBS). Also called: BERLIN BREAKAGE SYNDROME; Immunodeficiency, microcephaly with normal intelligence; Nijmegen breakage syndrome; Microcephaly with normal intelligence immunodeficiency and lymphoreticular malignancies; Nonsyndromal microcephaly autosomal recessive with normal intelligence; Seemanova syndrome 2. Identifiers: Orphanet 647, MedGen C0398791, MONDO:0009623, OMIM 251260.

Submission:

Labcorp Genetics (formerly Invitae), Labcorp
Classification: Uncertain significance for Microcephaly, normal intelligence and immunodeficiency. Last evaluated: 2020-06-30. Review status: criteria provided, single submitter. Criteria: Invitae Variant Classification Sherloc (09022015). Collection method: clinical testing. Allele origin: germline.
Comment: Nucleotide substitutions within the consensus splice site are a relatively common cause of aberrant splicing (PMID: 17576681, 9536098). Algorithms developed to predict the effect of sequence changes on RNA splicing suggest that this variant is not likely to affect RNA splicing, but this prediction has not been confirmed by published transcriptional studies. This variant has not been reported in the literature in individuals with NBN-related conditions. This variant is not present in population databases (ExAC no frequency). This sequence change falls in intron 9 of the NBN gene. It does not directly change the encoded amino acid sequence of the NBN protein, but it affects a nucleotide within the consensus splice site of the intron. In summary, the available evidence is currently insufficient to determine the role of this variant in disease. Therefore, it has been classified as a Variant of Uncertain Significance.

Literature cited by the submitters: PubMed 17576681; PubMed 9536098.

NM_002485.5(NBN):c.1124+6G>A

Gene: NBN (nibrin; minus strand). Cytogenetic location: 8q21.3.
Variant type: single nucleotide variant.
Coding change: c.1124+6G>A on transcript NM_002485.5 (MANE Select); 6 bases into the intron after coding-DNA position 1124, G replaced by A.
Molecular consequence: intron variant.
Genome position (GRCh38, 1-based): chr8:89,958,719, C>T on the plus strand (G>A on the coding strand, the complement: NBN is on the minus strand). VCF-style: chr8-89958719-C-T. GRCh37 (hg19) VCF-style: chr8-90970947-C-T.
Other names: c.878+6G>A (NM_001024688.3).
Identifiers: ClinVar variation 1026704 (VCV001026704.6), dbSNP rs375862750, ClinGen allele CA1801489128.